The following is an entry in ClinVar:

ClinVar aggregate classification (germline): Uncertain significance. Review status: criteria provided, multiple submitters, no conflicts (2 of 4 stars). 3 submissions from 3 submitters: Uncertain significance (3). Last evaluated 2025-12-18.

Conditions:
Hereditary diffuse gastric adenocarcinoma (HDGC). Also called: DIFFUSE GASTRIC AND LOBULAR BREAST CANCER SYNDROME. Identifiers: Orphanet 26106, MedGen C1708349, MONDO:0007648, OMIM 137215.
Familial cancer of breast. Also called: Hereditary breast cancer; hereditary breast carcinoma; BREAST CANCER, FAMILIAL. Identifiers: Orphanet 227535, MedGen C0346153, MONDO:0016419, OMIM 114480. Disease mechanism: loss of function.
Endometrial carcinoma. Also called: Endometrial carcinoma, somatic. Identifiers: MedGen C0476089, MONDO:0002447, OMIM 608089, HP:0012114.
Ovarian cancer. Also called: OVARIAN CANCER, SOMATIC. Identifiers: Orphanet 213500, MedGen C1140680, MONDO:0008170, OMIM 167000.
Blepharocheilodontic syndrome 1 (BCDS1). Identifiers: Orphanet 1997, MedGen C4551988, MONDO:0054740, OMIM 119580.
Hereditary cancer-predisposing syndrome. Also called: Hereditary Cancer Syndrome; Neoplastic Syndromes, Hereditary; Tumor predisposition; Hereditary neoplastic syndrome. Identifiers: Orphanet 140162, MedGen C0027672, MeSH D009386, MONDO:0015356.

Allele frequency attached by ClinVar (database versions not stated): gnomAD exomes 0.00001.
gnomAD v4.1: 14 of 1,614,240 alleles (0.00087%); highest among the groups gnomAD compares: Non-Finnish European, 0.0012%; no homozygotes.

Submissions (3):

Labcorp Genetics (formerly Invitae), Labcorp
Classification: Uncertain significance for Hereditary diffuse gastric adenocarcinoma. Last evaluated: 2025-12-18. Review status: criteria provided, single submitter. Criteria: Invitae Variant Classification Sherloc (09022015). Collection method: clinical testing. Allele origin: germline.
Comment: This sequence change replaces threonine, which is neutral and polar, with isoleucine, which is neutral and non-polar, at codon 468 of the CDH1 protein (p.Thr468Ile). This variant is not present in population databases (gnomAD no frequency). This variant has not been reported in the literature in individuals affected with CDH1-related conditions. ClinVar contains an entry for this variant (Variation ID: 231409). An algorithm developed to predict the effect of missense changes on protein structure and function (PolyPhen-2) suggests that this variant is likely to be tolerated. In summary, the available evidence is currently insufficient to determine the role of this variant in disease. Therefore, it has been classified as a Variant of Uncertain Significance.

Ambry Genetics
Classification: Uncertain significance for Hereditary cancer-predisposing syndrome. Last evaluated: 2025-04-28. Review status: criteria provided, single submitter. Criteria: Ambry Variant Classification Scheme 2023. Collection method: clinical testing. Allele origin: germline.
Comment: The p.T468I variant (also known as c.1403C>T), located in coding exon 10 of the CDH1 gene, results from a C to T substitution at nucleotide position 1403. The threonine at codon 468 is replaced by isoleucine, an amino acid with similar properties. This variant was reported in 0/60,466 breast cancer cases and in 1/53,461 controls (Dorling et al. N Engl J Med. 2021 02;384:428-439). This amino acid position is not well conserved in available vertebrate species. In addition, this alteration is predicted to be tolerated by in silico analysis. Since supporting evidence is limited at this time, the clinical significance of this alteration remains unclear.

Fulgent Genetics
Classification: Uncertain significance for Familial cancer of breast; Blepharocheilodontic syndrome 1; Hereditary diffuse gastric adenocarcinoma; Ovarian cancer; Endometrial carcinoma. Last evaluated: 2024-01-11. Review status: criteria provided, single submitter. Criteria: ACMG Guidelines, 2015. Collection method: clinical testing. Allele origin: germline.

Literature cited by the submitters: PubMed 33471991 (cited by Ambry Genetics).

NM_004360.5(CDH1):c.1403C>T (p.Thr468Ile)

Gene: CDH1 (cadherin 1; plus strand). Cytogenetic location: 16q22.1.
Variant type: single nucleotide variant.
Coding change: c.1403C>T on transcript NM_004360.5 (MANE Select); coding-DNA position 1403, C replaced by T.
Protein change: p.Thr468Ile; replaces threonine 468 with isoleucine.
Molecular consequence: missense variant. On other transcripts: 5 prime UTR variant (2).
Genome position (GRCh38, 1-based): chr16:68,815,597, C>T. VCF-style: chr16-68815597-C-T. GRCh37 (hg19) VCF-style: chr16-68849500-C-T.
Other names: c.1403C>T (LRG_301t1); c.1220C>T, p.Thr407Ile (NM_001317184.2); c.-146C>T (NM_001317185.2); c.-417C>T (NM_001317186.2); short protein forms T468I, T407I.
Identifiers: ClinVar variation 231409 (VCV000231409.16), dbSNP rs876659141, ClinGen allele CA10580113.